The following is an entry in ClinVar:

NM_000303.3(PMM2):c.*791G>C

Gene: PMM2 (phosphomannomutase 2; plus strand). Cytogenetic location: 16p13.2.
Variant type: single nucleotide variant.
Coding change: c.*791G>C on transcript NM_000303.3 (MANE Select); 791 bases downstream of the stop codon, G replaced by C.
Molecular consequence: 3 prime UTR variant.
Genome position (GRCh38, 1-based): chr16:8,848,616, G>C. VCF-style: chr16-8848616-G-C. GRCh37 (hg19) VCF-style: chr16-8942473-G-C.
Identifiers: ClinVar variation 321248 (VCV000321248.6), dbSNP rs2437722, ClinGen allele CA10638649.

ClinVar aggregate classification (germline): Benign. Review status: criteria provided, multiple submitters, no conflicts (2 of 4 stars). 2 submissions from 2 submitters: Benign (2). Last evaluated 2018-01-13.

Conditions:
PMM2-congenital disorder of glycosylation. Also called: CDG Ia; JAEKEN SYNDROME; PHOSPHOMANNOMUTASE 2 DEFICIENCY; Congenital disorder of glycosylation, type Ia; CARBOHYDRATE-DEFICIENT GLYCOPROTEIN SYNDROME, TYPE Ia; PMM2-CDG. Identifiers: Orphanet 79318, MedGen C0349653, MONDO:0008907, OMIM 212065.

Allele frequency attached by ClinVar (database versions not stated): TOPMed 0.91173; 1000 Genomes Project 30x 0.91740; 1000 Genomes Project 0.92093; gnomAD exomes 0.93182.
gnomAD v4.1: 140,949 of 152,370 alleles (93%); highest among the groups gnomAD compares: East Asian, 97%; 65,425 homozygotes.

Submissions (2):

Illumina Laboratory Services, Illumina
Classification: Benign for PMM2-congenital disorder of glycosylation. Last evaluated: 2018-01-13. Review status: criteria provided, single submitter. Criteria: ICSL Variant Classification Criteria 13 December 2019. Collection method: clinical testing. Allele origin: germline.
Comment: This variant was observed in the ICSL laboratory as part of a predisposition screen in an ostensibly healthy population. It had not been previously curated by ICSL or reported in the Human Gene Mutation Database (HGMD: prior to June 1st, 2018), and was therefore a candidate for classification through an automated scoring system. Utilizing variant allele frequency, disease prevalence and penetrance estimates, and inheritance mode, an automated score was calculated to assess if this variant is too frequent to cause the disease. Based on the score and internal cut-off values, a variant classified as benign is not then subjected to further curation. The score for this variant resulted in a classification of benign for this disease.

Breakthrough Genomics
Classification: Benign. Review status: criteria provided, single submitter. Criteria: ACMG Guidelines, 2015. Collection method: not provided. Allele origin: germline. Inheritance: Autosomal recessive inheritance. Affected: yes.